The following is an entry in ClinVar:

ClinVar aggregate classification (germline): Uncertain significance (1 of 4 stars; one submission).

Submission:

GeneDx
Classification: Uncertain significance. Last evaluated: 2026-09-22. Review status: criteria provided, single submitter. Criteria: GeneDx Variant Classification Process June 2021. Collection method: clinical testing. Allele origin: germline.
Comment: Not observed at significant frequency in large population cohorts (gnomAD); In-frame insertion of 2 amino acids in a non-repeat region; Has not been previously published as pathogenic or benign to our knowledge

NM_201599.3(ZMYM3):c.697_702dup (p.Pro234_Pro235insLysPro)

Gene: ZMYM3 (zinc finger MYM-type containing 3; minus strand). Cytogenetic location: Xq13.1.
Variant type: Duplication.
Coding change: c.697_702dup on transcript NM_201599.3 (MANE Select); coding-DNA positions 697 to 702, 6 bases duplicated (AAGCCG; older notation c.697_702dupAAGCCG).
Protein change: p.Pro234_Pro235insLysPro.
Molecular consequence: inframe insertion.
Genome position (GRCh38, 1-based): chrX:71,251,567-71,251,572, CGGCTT duplicated on the plus strand (AAGCCG on the coding strand, the reverse complement: ZMYM3 is on the minus strand); duplicating any 6 consecutive bases within chrX:71,251,567-71,251,573 gives the same sequence; the c. name uses the placement nearest the transcript's 3' end. VCF-style (leftmost placement, unchanged base first): chrX-71251566-G-GCGGCTT. GRCh37 (hg19) VCF-style: chrX-70471416-G-GCGGCTT.
Other names: c.697_702dup, p.Pro234_Pro235insLysPro (NM_001171162.1, NM_001171163.1, NM_005096.3).
Identifiers: ClinVar variation 3367224 (VCV003367224.2).